The following is an entry in ClinVar:

NC_000002.12:g.(?_32063826)_(32087584_?)del

Genes: SPAST (spastin; plus strand), LOC129933455 (ATAC-STARR-seq lymphoblastoid silent region 11339; plus strand). Cytogenetic location: 2p22.3.
Variant type: Deletion.
Identifiers: ClinVar variation 267324 (VCV000267324.1).

ClinVar aggregate classification (germline): Pathogenic (1 of 4 stars; one submission).

Conditions:
Hereditary spastic paraplegia 4. Also called: Spastic paraplegia 4, autosomal dominant; Familial spastic paraplegia autosomal dominant 2; Spastic Paraplegia 4. Identifiers: Orphanet 100985, MedGen C1866855, MONDO:0008438, OMIM 182601.

Submission:

Labcorp Genetics (formerly Invitae), Labcorp
Classification: Pathogenic for Hereditary spastic paraplegia 4. Last evaluated: 2015-11-20. Review status: criteria provided, single submitter. Criteria: Invitae Variant Classification Sherloc (09022015). Collection method: clinical testing. Allele origin: germline.
Comment: A gross deletion of the genomic region encompassing the full coding sequence of the SPAST gene has been identified. The boundaries of this event are unknown as the deletion extends beyond the assayed region for this gene and therefore may encompass additional genes. Gross gene deletion in SPAST are known to be pathogenic (PMID: 24451228, 17098887) . This particular entire gene deletion has been reported in the literature (PMID: 25421405). For these reasons, this variant has been classified as Pathogenic.